The following is an entry in ClinVar:

NM_001278669.2(NFATC1):c.412G>A (p.Asp138Asn)

Gene: NFATC1 (nuclear factor of activated T cells 1; plus strand). Cytogenetic location: 18q23.
Variant type: single nucleotide variant.
Coding change: c.412G>A on transcript NM_001278669.2 (MANE Select); coding-DNA position 412, G replaced by A.
Protein change: p.Asp138Asn; replaces aspartic acid 138 with asparagine.
Molecular consequence: missense variant. On other transcripts: intron variant (2).
Genome position (GRCh38, 1-based): chr18:79,410,687, G>A. VCF-style: chr18-79410687-G-A. GRCh37 (hg19) VCF-style: chr18-77170687-G-A.
Other names: c.412G>A, p.Asp138Asn (NM_001278670.2, NM_006162.5, NM_172390.3); c.373G>A, p.Asp125Asn (NM_001278672.2, NM_001278675.2, NM_172387.3 and 1 more transcripts); c.-191+14336G>A (NM_172388.3); c.-191+10208G>A (NM_001278673.2); c.373G>A (NM_172387.1); short protein forms D125N, D138N.
Identifiers: ClinVar variation 1464374 (VCV001464374.8), dbSNP rs775904780, ClinGen allele CA9008822.
Genomic context (GRCh38, chr18:79,410,687, plus strand): 5'-CCTCGCATCGAGATAACCTCGTGCTTGGGCCTGTACCACAACAATAACCAGTTTTTCCAC[G>A]ATGTGGAGGTGGAAGACGTCCTCCCTAGCTCCAAACGGTCCCCCTCCACGGCCACGCTGA-3'
Protein context (NP_001265598.1, residues 128-148): LYHNNNQFFH[Asp138Asn]VEVEDVLPSS

ClinVar aggregate classification (germline): Uncertain significance. Review status: criteria provided, multiple submitters, no conflicts (2 of 4 stars). 2 submissions from 2 submitters: Uncertain significance (2). Last evaluated 2025-05-18.

Allele frequency attached by ClinVar (database versions not stated): gnomAD 0.00001; gnomAD exomes 0.00002; TOPMed 0.00002; ExAC 0.00003.
gnomAD v4.1: 31 of 1,612,910 alleles (0.0019%); highest among the groups gnomAD compares: East Asian, 0.0067%; no homozygotes.

Submissions (2):

Ambry Genetics
Classification: Uncertain significance. Last evaluated: 2025-05-18. Review status: criteria provided, single submitter. Criteria: Ambry Variant Classification Scheme 2023. Collection method: clinical testing. Allele origin: germline.

Labcorp Genetics (formerly Invitae), Labcorp
Classification: Uncertain significance. Last evaluated: 2021-08-23. Review status: criteria provided, single submitter. Criteria: Invitae Variant Classification Sherloc (09022015). Collection method: clinical testing. Allele origin: germline.
Comment: This sequence change replaces aspartic acid with asparagine at codon 138 of the NFATC1 protein (p.Asp138Asn). The aspartic acid residue is moderately conserved and there is a small physicochemical difference between aspartic acid and asparagine. This variant is present in population databases (rs775904780, ExAC 0.01%). This variant has not been reported in the literature in individuals affected with NFATC1-related conditions. Algorithms developed to predict the effect of missense changes on protein structure and function are either unavailable or do not agree on the potential impact of this missense change (SIFT: "Tolerated"; PolyPhen-2: "Probably Damaging"; Align-GVGD: "Class C0"). In summary, the available evidence is currently insufficient to determine the role of this variant in disease. Therefore, it has been classified as a Variant of Uncertain Significance.